The following is an entry in ClinVar:

NM_001142800.2(EYS):c.4106C>T (p.Ser1369Leu)

Gene: EYS (EGF-like photoreceptor maintenance factor; minus strand). Cytogenetic location: 6q12.
Variant type: single nucleotide variant.
Coding change: c.4106C>T on transcript NM_001142800.2 (MANE Select); coding-DNA position 4106, C replaced by T.
Protein change: p.Ser1369Leu; replaces serine 1369 with leucine.
Molecular consequence: missense variant.
Genome position (GRCh38, 1-based): chr6:64,591,761, G>A on the plus strand (C>T on the coding strand, the complement: EYS is on the minus strand). VCF-style: chr6-64591761-G-A. GRCh37 (hg19) VCF-style: chr6-65301654-G-A.
Other names: c.4106C>T, p.Ser1369Leu (NM_001292009.2); c.4106C>T (NM_001142800.1); short protein forms S1369L.
Identifiers: ClinVar variation 990039 (VCV000990039.5), dbSNP rs769949135, ClinGen allele CA3877107.
Genomic context (GRCh38, chr6:64,591,761, plus strand): 5'-GCTCTCCTATCAGGAAAAAAGAAACCTAGTGTGGCTGCTGAAGTTCGAATAGGCATATGT[G>A]ATACCGATGTTTTGTCCTGGACAATTTGTGCTGGGTCACGAATACCAAAATTCAGGAATC-3'
Protein context (NP_001136272.1, residues 1359-1379): AQIVQDKTSV[Ser1369Leu]HMPIRTSAAT

ClinVar aggregate classification (germline): Uncertain significance. Review status: criteria provided, multiple submitters, no conflicts (2 of 4 stars). 4 submissions from 4 submitters: Uncertain significance (3). 1 of the submissions does not count toward it. Last evaluated 2026-02-13.

Conditions:
Autosomal recessive retinitis pigmentosa. Identifiers: MedGen C0339526.
Inborn genetic diseases. Identifiers: MedGen C0950123, MeSH D030342.
EYS-related disorder. Also called: EYS-related condition.

Allele frequency attached by ClinVar (database versions not stated): gnomAD below 0.00001 and 0.00001; TOPMed 0.00001; gnomAD exomes 0.00006 and 0.00015; ExAC 0.00046.
gnomAD v4.1: 92 of 1,551,346 alleles (0.0059%); highest among the groups gnomAD compares: South Asian, 0.1%; 2 homozygotes.

Submissions (4):

PreventionGenetics, part of Exact Sciences
Classification: Uncertain significance for EYS-related condition. Last evaluated: 2026-02-13. Review status: criteria provided, single submitter. Criteria: ACMG Guidelines, 2015. Collection method: clinical testing. Allele origin: germline.
Comment: The EYS c.4106C>T variant is predicted to result in the amino acid substitution p.Ser1369Leu. To our knowledge, this variant has not been reported in the literature. This variant is reported in 0.10% of alleles in individuals of South Asian descent in gnomAD. Although we suspect that this variant may be benign, at this time, the clinical significance of this variant is uncertain due to the absence of conclusive functional and genetic evidence.

Ambry Genetics
Classification: Uncertain significance for Inborn genetic diseases. Last evaluated: 2023-06-26. Review status: criteria provided, single submitter. Criteria: Ambry Variant Classification Scheme 2023. Collection method: clinical testing. Allele origin: germline.

Labcorp Genetics (formerly Invitae), Labcorp
Classification: Uncertain significance. Last evaluated: 2021-10-27. Review status: criteria provided, single submitter. Criteria: Invitae Variant Classification Sherloc (09022015). Collection method: clinical testing. Allele origin: germline.
Comment: This sequence change replaces serine, a(n) neutral and polar amino acid, with leucine, a(n) neutral and non-polar amino acid, at codon 1369 of the EYS protein (p.Ser1369Leu). This variant is present in population databases (rs769949135, gnomAD 0.1%). This variant has not been reported in the literature in individuals affected with EYS-related conditions. ClinVar contains an entry for this variant (Variation ID: 990039). Algorithms developed to predict the effect of missense changes on protein structure and function are either unavailable or do not agree on the potential impact of this missense change (SIFT: "Deleterious"; PolyPhen-2: "Benign"; Align-GVGD: "Class C0"). In summary, the available evidence is currently insufficient to determine the role of this variant in disease. Therefore, it has been classified as a Variant of Uncertain Significance.

Natera, Inc.
Classification: Uncertain significance for Autosomal recessive retinitis pigmentosa. Last evaluated: 2020-09-02. Review status: no assertion criteria provided. Collection method: clinical testing. Allele origin: germline. Not counted in ClinVar's aggregate classification.